The following is an entry in ClinVar:

ClinVar aggregate classification (germline): Uncertain significance. Review status: criteria provided, multiple submitters, no conflicts (2 of 4 stars). 3 submissions from 3 submitters: Uncertain significance (2). 1 of the submissions does not count toward it. Last evaluated 2023-05-23.

Conditions:
FIG4-related disorder. Also called: FIG4-related disorders; FIG4-related condition.
Charcot-Marie-Tooth disease type 4. Also called: Charcot-Marie-Tooth disease, type IV; Charcot-Marie-Tooth, Type 4. Identifiers: Orphanet 64749, MedGen C4082197, MONDO:0018995.

Allele frequency attached by ClinVar (database versions not stated): gnomAD exomes 0.00001 and 0.00002; ExAC 0.00002; gnomAD 0.00001; TOPMed 0.00003.
gnomAD v4.1: 16 of 1,612,890 alleles (0.00099%); highest among the groups gnomAD compares: Admixed American, 0.0033%; no homozygotes.

Submissions (3):

Athena Diagnostics
Classification: Uncertain significance. Last evaluated: 2023-05-23. Review status: criteria provided, single submitter. Criteria: Athena Diagnostics Criteria. Collection method: clinical testing. Allele origin: unknown.
Comment: Available data are insufficient to determine the clinical significance of the variant at this time. The frequency of this variant in the general population is uninformative in assessment of its pathogenicity. Computational tools predict that this variant is not damaging.

Labcorp Genetics (formerly Invitae), Labcorp
Classification: Uncertain significance for Charcot-Marie-Tooth disease type 4. Last evaluated: 2022-09-13. Review status: criteria provided, single submitter. Criteria: Invitae Variant Classification Sherloc (09022015). Collection method: clinical testing. Allele origin: germline.
Comment: This sequence change replaces valine, which is neutral and non-polar, with isoleucine, which is neutral and non-polar, at codon 706 of the FIG4 protein (p.Val706Ile). This variant is present in population databases (rs754830354, gnomAD 0.007%). This variant has not been reported in the literature in individuals affected with FIG4-related conditions. ClinVar contains an entry for this variant (Variation ID: 937457). Algorithms developed to predict the effect of missense changes on protein structure and function output the following: SIFT: "Tolerated"; PolyPhen-2: "Benign"; Align-GVGD: "Class C0". The isoleucine amino acid residue is found in multiple mammalian species, which suggests that this missense change does not adversely affect protein function. In summary, the available evidence is currently insufficient to determine the role of this variant in disease. Therefore, it has been classified as a Variant of Uncertain Significance.

PreventionGenetics, part of Exact Sciences
Classification: Uncertain significance for FIG4-related condition. Last evaluated: 2024-01-18. Review status: no assertion criteria provided. Collection method: clinical testing. Allele origin: germline. Not counted in ClinVar's aggregate classification.
Comment: The FIG4 c.2116G>A variant is predicted to result in the amino acid substitution p.Val706Ile. To our knowledge, this variant has not been reported in the literature. This variant is reported in 0.0062% of alleles in individuals of African descent in gnomAD. At this time, the clinical significance of this variant is uncertain due to the absence of conclusive functional and genetic evidence.

NM_014845.6(FIG4):c.2116G>A (p.Val706Ile)

Gene: FIG4 (FIG4 phosphoinositide 5-phosphatase; plus strand). Cytogenetic location: 6q21.
Variant type: single nucleotide variant.
Coding change: c.2116G>A on transcript NM_014845.6 (MANE Select); coding-DNA position 2116, G replaced by A.
Protein change: p.Val706Ile; replaces valine 706 with isoleucine.
Molecular consequence: missense variant.
Genome position (GRCh38, 1-based): chr6:109,789,613, G>A. VCF-style: chr6-109789613-G-A. GRCh37 (hg19) VCF-style: chr6-110110816-G-A.
Other names: short protein forms V706I.
Identifiers: ClinVar variation 937457 (VCV000937457.7), dbSNP rs754830354, ClinGen allele CA3956292.